The following is an entry in ClinVar:

ClinVar aggregate classification (germline): Uncertain significance. Review status: criteria provided, multiple submitters, no conflicts (2 of 4 stars). 3 submissions from 3 submitters: Uncertain significance (3). Last evaluated 2026-05-07.

Conditions:
Paragangliomas with sensorineural hearing loss. Identifiers: MedGen C1868633.
Carney-Stratakis syndrome. Also called: PARAGANGLIOMA AND GASTROINTESTINAL STROMAL TUMOR. Identifiers: Orphanet 97286, MedGen C1847319, MONDO:0011740, OMIM 606864.
Cowden syndrome 3 (CWS3). Identifiers: Orphanet 201, MedGen CN166604, MONDO:0014045.
Pheochromocytoma. Also called: MAX-Related Hereditary Paraganglioma-Pheochromocytoma Syndrome. Identifiers: Orphanet 29072, MedGen C0031511, MONDO:0008233, OMIM 171300, HP:0002666.
Hereditary cancer-predisposing syndrome. Also called: Hereditary neoplastic syndrome; Neoplastic Syndromes, Hereditary; Tumor predisposition; Hereditary Cancer Syndrome. Identifiers: Orphanet 140162, MedGen C0027672, MeSH D009386, MONDO:0015356.
Hereditary pheochromocytoma and paraganglioma. Also called: Hereditary paragangliomas and pheochromocytomas; Hereditary Paraganglioma-Pheochromocytoma Syndromes; Hereditary pheochromocytoma-paraganglioma. Identifiers: Orphanet 29072, MedGen C4274332, MONDO:0017366.

Allele frequency attached by ClinVar (database versions not stated): gnomAD exomes below 0.00001.

Submissions (3):

Ambry Genetics
Classification: Uncertain significance for Hereditary cancer-predisposing syndrome. Last evaluated: 2026-05-07. Review status: criteria provided, single submitter. Criteria: Ambry Variant Classification Scheme 2023. Collection method: clinical testing. Allele origin: germline.
Comment: The p.C140Y variant (also known as c.419G>A), located in coding exon 4 of the SDHD gene, results from a G to A substitution at nucleotide position 419. The cysteine at codon 140 is replaced by tyrosine, an amino acid with highly dissimilar properties. This amino acid position is highly conserved in available vertebrate species. In addition, this alteration is predicted to be deleterious by in silico analysis. Based on the available evidence, the clinical significance of this variant remains unclear.

Labcorp Genetics (formerly Invitae), Labcorp
Classification: Uncertain significance for Carney-Stratakis syndrome; Paragangliomas with sensorineural hearing loss; Pheochromocytoma; Cowden syndrome 3. Last evaluated: 2025-08-31. Review status: criteria provided, single submitter. Criteria: Invitae Variant Classification Sherloc (09022015). Collection method: clinical testing. Allele origin: germline.
Comment: This sequence change replaces cysteine, which is neutral and slightly polar, with tyrosine, which is neutral and polar, at codon 140 of the SDHD protein (p.Cys140Tyr). This variant is not present in population databases (gnomAD no frequency). This variant has not been reported in the literature in individuals affected with SDHD-related conditions. ClinVar contains an entry for this variant (Variation ID: 1060148). Invitae Evidence Modeling of protein sequence and biophysical properties (such as structural, functional, and spatial information, amino acid conservation, physicochemical variation, residue mobility, and thermodynamic stability) has been performed for this missense variant. However, the output from this modeling did not meet the statistical confidence thresholds required to predict the impact of this variant on SDHD protein function. In summary, the available evidence is currently insufficient to determine the role of this variant in disease. Therefore, it has been classified as a Variant of Uncertain Significance.

All of Us Research Program, National Institutes of Health
Classification: Uncertain significance for Hereditary pheochromocytoma and paraganglioma. Last evaluated: 2024-09-23. Review status: criteria provided, single submitter. Criteria: ACMG Guidelines, 2015. Collection method: clinical testing. Allele origin: germline. Inheritance: Autosomal dominant inheritance. Observed: 1 variant allele, 1 heterozygote.
Comment: This study involves interpretation of variants in research participants for the purpose of population health screening. Participant phenotype was not available at the time of variant classification. Additional details can be found in publication PMID: 35346344, PMCID: PMC8962531

NM_003002.4(SDHD):c.419G>A (p.Cys140Tyr)

Gene: SDHD (succinate dehydrogenase complex subunit D; plus strand). Cytogenetic location: 11q23.1.
Variant type: single nucleotide variant.
Coding change: c.419G>A on transcript NM_003002.4 (MANE Select); coding-DNA position 419, G replaced by A.
Protein change: p.Cys140Tyr; replaces cysteine 140 with tyrosine.
Molecular consequence: missense variant. On other transcripts: 3 prime UTR variant (2), non-coding transcript variant (1).
Genome position (GRCh38, 1-based): chr11:112,094,909, G>A. VCF-style: chr11-112094909-G-A. GRCh37 (hg19) VCF-style: chr11-111965633-G-A.
Other names: c.*16G>A (NM_001276503.2); c.302G>A, p.Cys101Tyr (NM_001276504.2); c.*117G>A (NM_001276506.2); short protein forms C101Y, C140Y.
Identifiers: ClinVar variation 1060148 (VCV001060148.14), dbSNP rs2135277691, ClinGen allele CA382619315.